The following is an entry in ClinVar:

ClinVar aggregate classification (germline): Uncertain significance. Review status: criteria provided, multiple submitters, no conflicts (2 of 4 stars). 3 submissions from 3 submitters: Uncertain significance (3). Last evaluated 2024-01-04.

Conditions:
Hereditary cancer-predisposing syndrome. Also called: Neoplastic Syndromes, Hereditary; Tumor predisposition; Hereditary neoplastic syndrome; Hereditary Cancer Syndrome. Identifiers: Orphanet 140162, MedGen C0027672, MeSH D009386, MONDO:0015356.
Parathyroid carcinoma (PRTC). Also called: Parathyroid gland carcinoma; CDC73-Related Parathyroid Carcinoma. Identifiers: Orphanet 143, MedGen C0687150, MONDO:0012004, OMIM 608266, HP:0006780.

Allele frequency attached by ClinVar (database versions not stated): gnomAD exomes below 0.00001.
gnomAD v4.1: 2 of 1,607,776 alleles (0.00012%); highest among the groups gnomAD compares: Non-Finnish European, 0.00017%; no homozygotes.

Submissions (3):

GeneDx
Classification: Uncertain significance. Last evaluated: 2024-01-04. Review status: criteria provided, single submitter. Criteria: GeneDx Variant Classification Process June 2021. Collection method: clinical testing. Allele origin: germline. Affected: yes.
Comment: Not observed at significant frequency in large population cohorts (gnomAD); In silico analysis supports that this missense variant does not alter protein structure/function; Has not been previously published as pathogenic or benign to our knowledge; This variant is associated with the following publications: (PMID: 15923622)

Ambry Genetics
Classification: Uncertain significance for Hereditary cancer-predisposing syndrome. Last evaluated: 2023-12-05. Review status: criteria provided, single submitter. Criteria: Ambry Variant Classification Scheme 2023. Collection method: clinical testing. Allele origin: germline.
Comment: The p.V523L variant (also known as c.1567G>T), located in coding exon 17 of the CDC73 gene, results from a G to T substitution at nucleotide position 1567. The valine at codon 523 is replaced by leucine, an amino acid with highly similar properties. This amino acid position is conserved. In addition, this alteration is predicted to be tolerated by in silico analysis. Since supporting evidence is limited at this time, the clinical significance of this alteration remains unclear.

Labcorp Genetics (formerly Invitae), Labcorp
Classification: Uncertain significance for Parathyroid carcinoma. Last evaluated: 2018-03-24. Review status: criteria provided, single submitter. Criteria: Invitae Variant Classification Sherloc (09022015). Collection method: clinical testing. Allele origin: germline.
Comment: In summary, the available evidence is currently insufficient to determine the role of this variant in disease. Therefore, it has been classified as a Variant of Uncertain Significance. Algorithms developed to predict the effect of missense changes on protein structure and function (SIFT, PolyPhen-2, Align-GVGD) all suggest that this variant is likely to be tolerated, but these predictions have not been confirmed by published functional studies and their clinical significance is uncertain. This variant has not been reported in the literature in individuals with CDC73-related disease. This variant is not present in population databases (ExAC no frequency). This sequence change replaces valine with leucine at codon 523 of the CDC73 protein (p.Val523Leu). The valine residue is moderately conserved and there is a small physicochemical difference between valine and leucine.

NM_024529.5(CDC73):c.1567G>T (p.Val523Leu)

Gene: CDC73 (cell division cycle 73; plus strand). Cytogenetic location: 1q31.2.
Variant type: single nucleotide variant.
Coding change: c.1567G>T on transcript NM_024529.5 (MANE Select); coding-DNA position 1567, G replaced by T.
Protein change: p.Val523Leu; replaces valine 523 with leucine.
Molecular consequence: missense variant.
Genome position (GRCh38, 1-based): chr1:193,250,683, G>T. VCF-style: chr1-193250683-G-T. GRCh37 (hg19) VCF-style: chr1-193219813-G-T.
Other names: short protein forms V523L.
Identifiers: ClinVar variation 566966 (VCV000566966.11), dbSNP rs1558326418, ClinGen allele CA344078695.